The following is an entry in ClinVar:

ClinVar aggregate classification (germline): Uncertain significance (1 of 4 stars; one submission).

Submission:

GeneDx
Classification: Uncertain significance. Last evaluated: 2025-05-11. Review status: criteria provided, single submitter. Criteria: GeneDx Variant Classification Process June 2021. Collection method: clinical testing. Allele origin: germline. Affected: yes.
Comment: Not observed at significant frequency in large population cohorts (gnomAD); In silico analysis suggests that this missense variant does not alter protein structure/function; Has not been previously published as pathogenic or benign to our knowledge

NM_000459.5(TEK):c.496C>A (p.Pro166Thr)

Gene: TEK (TEK receptor tyrosine kinase; plus strand). Cytogenetic location: 9p21.2.
Variant type: single nucleotide variant.
Coding change: c.496C>A on transcript NM_000459.5 (MANE Select); coding-DNA position 496, C replaced by A.
Protein change: p.Pro166Thr; replaces proline 166 with threonine.
Molecular consequence: missense variant.
Genome position (GRCh38, 1-based): chr9:27,169,497, C>A. VCF-style: chr9-27169497-C-A. GRCh37 (hg19) VCF-style: chr9-27169495-C-A.
Other names: c.496C>A, p.Pro166Thr (NM_001290077.2, NM_001375475.1, NM_001375476.1); c.184C>A, p.Pro62Thr (NM_001290078.2); short protein forms P166T, P62T.
Identifiers: ClinVar variation 4529925 (VCV004529925.1).